The following is an entry in ClinVar:

NM_001927.4(DES):c.472GAGCTGCGG[3] (p.Arg163_Arg164insGluLeuArg)

Gene: DES (desmin; plus strand). Cytogenetic location: 2q35.
Variant type: Microsatellite.
Coding change: c.472GAGCTGCGG[3] on transcript NM_001927.4 (MANE Select); three copies in a row of the 9-base unit GAGCTGCGG starting at c.472; the reference has two copies in a row; one copy, 9 bases duplicated.
Protein change: p.Arg163_Arg164insGluLeuArg.
Molecular consequence: inframe insertion. On other transcripts: inframe indel (2).
Genome position (GRCh38, 1-based): chr2:219,418,943-219,418,951, GAGCTGCGG duplicated; duplicating any 9 consecutive bases within chr2:219,418,933-219,418,951 gives the same sequence; the position shown is the placement nearest the transcript's 3' end. VCF-style (leftmost placement, unchanged base first): chr2-219418932-A-AGGAGCTGCG. GRCh37 (hg19) VCF-style: chr2-220283654-A-AGGAGCTGCG.
Other names: c.481_489dupGAGCTGCGG (NM_001927.3); c.472GAGCTGCGG[3], p.Arg163_Arg164insGluLeuArg (NM_001382708.1, NM_001382709.1, NM_001382710.1 and 3 more transcripts); c.472_480GAGCTGCGG[3], p.Arg163_Arg164insGluLeuArg (NM_001927.3).
Identifiers: ClinVar variation 1704526 (VCV001704526.7), dbSNP rs2545248015, ClinGen allele CA2577252530.
Genomic context (GRCh38, chr2:219,418,932, plus strand): 5'-CCGCCGAAGTGAACCGGCTCAAGGGCCGCGAGCCGACGCGAGTGGCCGAGCTCTACGAGG[A>AGGAGCTGCG]GGAGCTGCGGGAGCTGCGGCGCCAGGTGGAGGTGCTCACTAACCAGCGCGCGCGCGTCGA-3'

ClinVar aggregate classification (germline): Uncertain significance. Review status: criteria provided, multiple submitters, no conflicts (2 of 4 stars). 3 submissions from 3 submitters: Uncertain significance (3). Last evaluated 2025-07-28.

Conditions:
Desmin-related myofibrillar myopathy (MFM1). Also called: Desmin related myopathy (former name); Desmin storage myopathy (former name); Myofibrillar myopathy 1; Desminopathy; MYOFIBRILLAR MYOPATHY WITH ARRHYTHMOGENIC RIGHT VENTRICULAR CARDIOMYOPATHY; DESMIN-RELATED MYOPATHY WITH ARRHYTHMOGENIC RIGHT VENTRICULAR CARDIOMYOPATHY. Identifiers: Orphanet 363543, Orphanet 98909, MedGen C1832370, MONDO:0011076, OMIM 601419.
Cardiovascular phenotype. Identifiers: MedGen CN230736.

Submissions (3):

Ambry Genetics
Classification: Uncertain significance for Cardiovascular phenotype. Last evaluated: 2025-07-28. Review status: criteria provided, single submitter. Criteria: Ambry Variant Classification Scheme 2023. Collection method: clinical testing. Allele origin: germline.
Comment: The c.481_489dupGAGCTGCGG variant (also known as p.E161_R163dup), located in coding exon 1 of the DES gene, results from an in-frame duplication of GAGCTGCGG at nucleotide positions 481 to 489. This results in the duplication of 3 extra residues (ELR) between codons 161 and 163. This amino acid region is highly conserved in available vertebrate species. In addition, this variant is predicted to be deleterious by in silico analysis (Choi Y et al. PLoS ONE. 2012; 7(10):e46688). Based on the available evidence, the clinical significance of this variant remains unclear.

Women's Health and Genetics/Laboratory Corporation of America, LabCorp
Classification: Uncertain significance. Last evaluated: 2022-07-19. Review status: criteria provided, single submitter. Criteria: LabCorp Variant Classification Summary - May 2015. Collection method: clinical testing. Allele origin: germline.
Comment: Variant summary: DES c.481_489dupGAGCTGCGG (p.Glu161_Arg163dup) results in an in-frame duplication that is predicted to duplicate three amino acids into the encoded protein. The variant was absent in 164596 control chromosomes. The available data on variant occurrences in the general population are insufficient to allow any conclusion about variant significance. To our knowledge, no occurrence of c.481_489dupGAGCTGCGG in individuals affected with Dilated Cardiomyopathy and no experimental evidence demonstrating its impact on protein function have been reported. No clinical diagnostic laboratories have submitted clinical-significance assessments for this variant to ClinVar after 2014. Based on the evidence outlined above, the variant was classified as uncertain significance.

Labcorp Genetics (formerly Invitae), Labcorp
Classification: Uncertain significance for Desmin-related myofibrillar myopathy. Last evaluated: 2022-04-11. Review status: criteria provided, single submitter. Criteria: Invitae Variant Classification Sherloc (09022015). Collection method: clinical testing. Allele origin: germline.
Comment: This variant, c.481_489dup, results in the insertion of 3 amino acid(s) of the DES protein (p.Glu161_Arg163dup), but otherwise preserves the integrity of the reading frame. In summary, the available evidence is currently insufficient to determine the role of this variant in disease. Therefore, it has been classified as a Variant of Uncertain Significance. This variant has not been reported in the literature in individuals affected with DES-related conditions. This variant is not present in population databases (gnomAD no frequency).